The following continues an entry in ClinVar:

NM_000540.3(RYR1):c.2122G>A (p.Asp708Asn)

Gene: RYR1. ClinVar aggregate classification (germline): Uncertain significance. Uncertain significance (1).

Submissions 13 to 19 of 19:

Eurofins Ntd Llc (ga)
Classification: Likely benign. Last evaluated: 2018-07-17. Review status: criteria provided, single submitter. Criteria: EGL ClinVar v180209 classification definitions. Collection method: clinical testing. Allele origin: germline. Observed: 3 variant alleles, 3 heterozygotes. Not counted in ClinVar's aggregate classification.

Laboratory for Molecular Medicine, Mass General Brigham Personalized Medicine
Classification: Uncertain significance. Last evaluated: 2017-08-29. Review status: criteria provided, single submitter. Criteria: LMM Criteria. Collection method: clinical testing. Allele origin: germline. Observed: 1 variant allele. Not counted in ClinVar's aggregate classification.
Comment: Disclaimer: This variant has not undergone full assessment. The following are pr eliminary notes: This variant has been reported in 6 papers in HGMD (classified as DM), with comments suggesting VUS-likely benign. This variant is classified i n ClinVar with 1 star as VUS by University of Chicago, Emory, and Biesecker lab, and is classified as Likely benign by Prevention genetics and CSER_CC_NCGL. The variant has a Max MAF of 0.10% in ExAC (69 alleles) and 0.4% in gnomAD (40 Ashk enazi alleles). Frequency too high for disease incidence. Variant is not present in an online resource database.

Center for Pediatric Genomic Medicine, Children's Mercy Hospital and Clinics
Classification: Uncertain significance. Last evaluated: 2017-05-17. Review status: criteria provided, single submitter. Criteria: ACMG Guidelines, 2015. Collection method: clinical testing. Allele origin: germline. Not counted in ClinVar's aggregate classification.

Genetic Services Laboratory, University of Chicago
Classification: Uncertain significance. Last evaluated: 2013-11-06. Review status: criteria provided, single submitter. Criteria: ACMG Guidelines, 2007. Collection method: clinical testing. Allele origin: germline. Inheritance: Autosomal unknown. Not counted in ClinVar's aggregate classification.

Biesecker Lab/Clinical Genomics Section, National Institutes of Health
Classification: Uncertain significance for Malignant hyperthermia, susceptibility to, 1. Last evaluated: 2013-07-01. Review status: criteria provided, single submitter. Criteria: Gonsalves et al. 2013. Collection method: research. Allele origin: unknown. Observed: 2 variant alleles. Study: ClinSeq. Not counted in ClinVar's aggregate classification.
Comment: The study set was not selected for affection status in relation to any myopathy. Pathogenicity categories were based on literature curation. See Pubmed ID: 24195946 for details.

PreventionGenetics, part of Exact Sciences
Classification: Likely benign. Review status: criteria provided, single submitter. Criteria: ACMG Guidelines, 2015. Collection method: clinical testing. Allele origin: germline. Not counted in ClinVar's aggregate classification.

CSER _CC_NCGL, University of Washington
Classification: Likely benign for Myopathy, congenital. Last evaluated: 2014-06-01. Review status: no assertion criteria provided. Collection method: research. Allele origin: germline. Inheritance: Autosomal dominant inheritance. Study: ESP 6500 variant annotation. Not counted in ClinVar's aggregate classification.
Comment: Variants classified for the Actionable exomic incidental findings in 6503 participants: challenges of variant classification manuscript

Literature cited by the submitters: PubMed 20080402 (cited by 5 submitters); PubMed 21911697 (cited by 6 submitters); PubMed 23553787 (cited by 4 submitters); PubMed 23919265 (cited by 5 submitters); PubMed 24195946 (cited by Mayo Clinic Laboratories, Mayo Clinic and AiLife Diagnostics); PubMed 25428687 (cited by Mayo Clinic Laboratories, Mayo Clinic and Women's Health and Genetics/Laboratory Corporation of America, LabCorp); PubMed 25637381 (cited by Mayo Clinic Laboratories, Mayo Clinic and AiLife Diagnostics); PubMed 27382027 (cited by Mayo Clinic Laboratories, Mayo Clinic and Women's Health and Genetics/Laboratory Corporation of America, LabCorp); PubMed 29298851 (cited by Mayo Clinic Laboratories, Mayo Clinic); PubMed 30155738 (cited by Mayo Clinic Laboratories, Mayo Clinic); PubMed 32236737 (cited by Mayo Clinic Laboratories, Mayo Clinic and Women's Health and Genetics/Laboratory Corporation of America, LabCorp); PubMed 33646171 (cited by Mayo Clinic Laboratories, Mayo Clinic); PubMed 36669590 (cited by Mayo Clinic Laboratories, Mayo Clinic); PubMed 36833224 (cited by Mayo Clinic Laboratories, Mayo Clinic); PubMed 26019235 (cited by Women's Health and Genetics/Laboratory Corporation of America, LabCorp); PubMed 33767344 (cited by Women's Health and Genetics/Laboratory Corporation of America, LabCorp).